The following is an entry in ClinVar:

NM_006206.6(PDGFRA):c.1422G>A (p.Thr474=)

Gene: PDGFRA (platelet derived growth factor receptor alpha; plus strand). Cytogenetic location: 4q12.
Variant type: single nucleotide variant.
Coding change: c.1422G>A on transcript NM_006206.6 (MANE Select); coding-DNA position 1422, G replaced by A.
Protein change: p.Thr474=; no amino-acid change (threonine 474 retained).
Molecular consequence: synonymous variant.
Genome position (GRCh38, 1-based): chr4:54,273,594, G>A. VCF-style: chr4-54273594-G-A. GRCh37 (hg19) VCF-style: chr4-55139761-G-A.
Other names: c.1422G>A, p.Thr474= (NM_001347827.2, NM_001347829.2); c.1497G>A, p.Thr499= (NM_001347828.2); c.1461G>A, p.Thr487= (NM_001347830.2).
Identifiers: ClinVar variation 240307 (VCV000240307.19), dbSNP rs149899465, ClinGen allele CA2922561.
Genomic context (GRCh38, chr4:54,273,594, plus strand): 5'-TAGATGTAATAATGAAACTTCCTGGACTATTTTGGCCAACAATGTCTCAAACATCATCAC[G>A]GAGATCCACTCCCGAGACAGGAGTACCGTGGAGGGCCGTGTGACTTTCGCCAAAGTGGAG-3'
Protein context (NP_006197.1, residues 464-484): ILANNVSNII[Thr474=]EIHSRDRSTV

ClinVar aggregate classification (germline): Conflicting classifications of pathogenicity. Review status: criteria provided, conflicting classifications (1 of 4 stars). 4 submissions from 4 submitters: Uncertain significance (1); Likely benign (3). Last evaluated 2026-06-15.

Conditions:
Polyps, multiple and recurrent inflammatory fibroid, gastrointestinal. Identifiers: MedGen C5193005, MONDO:0008285, OMIM 175510.
Hereditary cancer-predisposing syndrome. Also called: Neoplastic Syndromes, Hereditary; Hereditary neoplastic syndrome; Hereditary Cancer Syndrome; Tumor predisposition. Identifiers: Orphanet 140162, MedGen C0027672, MeSH D009386, MONDO:0015356.
Gastrointestinal stromal tumor. Also called: Gastrointestinal stromal tumor, somatic; Gastrointestinal stroma tumor. Identifiers: Orphanet 44890, MedGen C0238198, MeSH D046152, MONDO:0011719, OMIM 606764, HP:0100723.

Allele frequency attached by ClinVar (database versions not stated): TOPMed 0.00002; gnomAD 0.00003; gnomAD exomes 0.00003 and 0.00004; ExAC 0.00006; ESP Exome Variant Server 0.00008.
gnomAD v4.1: 43 of 1,613,882 alleles (0.0027%); highest among the groups gnomAD compares: Admixed American, 0.0067%; no homozygotes.

Submissions (4):

Myriad Genetics, Inc.
Classification: Likely benign for Polyps, multiple and recurrent inflammatory fibroid, gastrointestinal. Last evaluated: 2026-06-15. Review status: criteria provided, single submitter. Criteria: Myriad Autosomal Dominant, Autosomal Recessive and X-Linked Classification Criteria (2023). Collection method: clinical testing. Allele origin: unknown.
Comment: This variant is considered likely benign. This variant has been observed at a population frequency that is significantly greater than expected given the associated disease prevalence and penetrance.

Labcorp Genetics (formerly Invitae), Labcorp
Classification: Likely benign for Gastrointestinal stromal tumor. Last evaluated: 2026-01-22. Review status: criteria provided, single submitter. Criteria: Invitae Variant Classification Sherloc (09022015). Collection method: clinical testing. Allele origin: germline.

GeneDx
Classification: Uncertain significance. Last evaluated: 2025-02-25. Review status: criteria provided, single submitter. Criteria: GeneDx Variant Classification Process June 2021. Collection method: clinical testing. Allele origin: germline.
Comment: Has not been previously published as pathogenic or benign to our knowledge; In silico analysis suggests this variant may impact gene splicing. In the absence of RNA/functional studies, the actual effect of this sequence change is unknown.

Ambry Genetics
Classification: Likely benign for Hereditary cancer-predisposing syndrome. Last evaluated: 2019-04-12. Review status: criteria provided, single submitter. Criteria: Ambry Variant Classification Scheme 2023. Collection method: clinical testing. Allele origin: germline.